The following is an entry in ClinVar:

NM_170754.4(TNS2):c.2831A>C (p.Glu944Ala)

Gene: TNS2 (tensin 2; plus strand). Cytogenetic location: 12q13.13.
Variant type: single nucleotide variant.
Coding change: c.2831A>C on transcript NM_170754.4 (MANE Select); coding-DNA position 2831, A replaced by C.
Protein change: p.Glu944Ala; replaces glutamic acid 944 with alanine.
Molecular consequence: missense variant.
Genome position (GRCh38, 1-based): chr12:53,060,737, A>C. VCF-style: chr12-53060737-A-C. GRCh37 (hg19) VCF-style: chr12-53454521-A-C.
Other names: c.2831A>C, p.Glu944Ala (NM_001416202.1); c.2789A>C, p.Glu930Ala (NM_001416203.1); c.2858A>C, p.Glu953Ala (NM_001416204.1); c.2762A>C, p.Glu921Ala (NM_015319.3); c.2459A>C, p.Glu820Ala (NM_198316.2); short protein forms E944A, E820A, E954A, E921A, E930A, E953A.
Identifiers: ClinVar variation 1990955 (VCV001990955.5), dbSNP rs745981544, ClinGen allele CA6592714.
Genomic context (GRCh38, chr12:53,060,737, plus strand): 5'-CCCGGCGACAGGACACCAGGTCCCCCACCTCAGCGCCCACTCAGAGACTGAGTCCTGGCG[A>C]GGCCTTGCCCCCTGTTTCCCAGGCAGGCACCGGAAAGGCCCCTGAGCTGCCGTCGGGAAG-3'
Protein context (NP_736610.2, residues 934-954): SAPTQRLSPG[Glu944Ala]ALPPVSQAGT

ClinVar aggregate classification (germline): Uncertain significance. Review status: criteria provided, multiple submitters, no conflicts (2 of 4 stars). 2 submissions from 2 submitters: Uncertain significance (2). Last evaluated 2025-05-18.

Allele frequency attached by ClinVar (database versions not stated): ExAC 0.00001; gnomAD exomes 0.00001; gnomAD 0.00002; TOPMed 0.00004.
gnomAD v4.1: 22 of 1,608,796 alleles (0.0014%); highest among the groups gnomAD compares: Admixed American, 0.015%; no homozygotes.

Submissions (2):

Labcorp Genetics (formerly Invitae), Labcorp
Classification: Uncertain significance. Last evaluated: 2025-05-18. Review status: criteria provided, single submitter. Criteria: Invitae Variant Classification Sherloc (09022015). Collection method: clinical testing. Allele origin: germline.
Comment: This sequence change replaces glutamic acid, which is acidic and polar, with alanine, which is neutral and non-polar, at codon 954 of the TNS2 protein (p.Glu954Ala). This variant is present in population databases (rs745981544, gnomAD 0.02%). This variant has not been reported in the literature in individuals affected with TNS2-related conditions. ClinVar contains an entry for this variant (Variation ID: 1990955). An algorithm developed to predict the effect of missense changes on protein structure and function (PolyPhen-2) suggests that this variant is likely to be tolerated. In summary, the available evidence is currently insufficient to determine the role of this variant in disease. Therefore, it has been classified as a Variant of Uncertain Significance.

Ambry Genetics
Classification: Uncertain significance. Last evaluated: 2023-12-19. Review status: criteria provided, single submitter. Criteria: Ambry Variant Classification Scheme 2023. Collection method: clinical testing. Allele origin: germline.